The following is an entry in ClinVar:

NM_006231.4(POLE):c.3795G>T (p.Gln1265His)

Gene: POLE (DNA polymerase epsilon, catalytic subunit; minus strand). Cytogenetic location: 12q24.33.
Variant type: single nucleotide variant.
Coding change: c.3795G>T on transcript NM_006231.4 (MANE Select); coding-DNA position 3795, G replaced by T.
Protein change: p.Gln1265His; replaces glutamine 1265 with histidine.
Molecular consequence: missense variant.
Genome position (GRCh38, 1-based): chr12:132,649,677, C>A on the plus strand (G>T on the coding strand, the complement: POLE is on the minus strand). VCF-style: chr12-132649677-C-A. GRCh37 (hg19) VCF-style: chr12-133226263-C-A.
Other names: short protein forms Q1265H.
Identifiers: ClinVar variation 1378275 (VCV001378275.8), dbSNP rs755183243, ClinGen allele CA387385860.
Genomic context (GRCh38, chr12:132,649,677, plus strand): 5'-GGGCTCCCTGGGCTGTGCAGACCCCTCAGAGACAGACAGTATCACAGCTGTGTGCCTTAC[C>A]TGGCTGGTTCCCAGGGCGGGAGGCTGCCCCAAGATTTCCTGCCAGGGCACAGTCGGCGTG-3'
Protein context (NP_006222.2, residues 1255-1275): LGQPPALGTS[Gln1265His]EEWLVWLRFH

ClinVar aggregate classification (germline): Uncertain significance (1 of 4 stars; one submission).

Allele frequency attached by ClinVar (database versions not stated): gnomAD 0.00001.
gnomAD v4.1: 1 of 1,613,722 alleles (0.000062%); highest among the groups gnomAD compares: South Asian, 0.0011%; no homozygotes.

Submission:

Labcorp Genetics (formerly Invitae), Labcorp
Classification: Uncertain significance. Last evaluated: 2024-08-19. Review status: criteria provided, single submitter. Criteria: Invitae Variant Classification Sherloc (09022015). Collection method: clinical testing. Allele origin: germline.
Comment: This sequence change replaces glutamine, which is neutral and polar, with histidine, which is basic and polar, at codon 1265 of the POLE protein (p.Gln1265His). This variant also falls at the last nucleotide of exon 30, which is part of the consensus splice site for this exon. This variant is not present in population databases (gnomAD no frequency). This variant has not been reported in the literature in individuals affected with POLE-related conditions. ClinVar contains an entry for this variant (Variation ID: 1378275). An algorithm developed to predict the effect of missense changes on protein structure and function (PolyPhen-2) suggests that this variant is likely to be tolerated. Variants that disrupt the consensus splice site are a relatively common cause of aberrant splicing (PMID: 17576681, 9536098). Algorithms developed to predict the effect of sequence changes on RNA splicing suggest that this variant may disrupt the consensus splice site. In summary, the available evidence is currently insufficient to determine the role of this variant in disease. Therefore, it has been classified as a Variant of Uncertain Significance.

Literature cited by the submitters: PubMed 17576681; PubMed 9536098.